The following is an entry in ClinVar:

ClinVar aggregate classification (germline): Uncertain significance (1 of 4 stars; one submission).

Conditions:
Generalized epilepsy with febrile seizures plus, type 7 (GEFSP7). Also called: GEFS+, TYPE 7. Identifiers: Orphanet 36387, MedGen C2751778, MONDO:0013470, OMIM 613863.
Neuropathy, hereditary sensory and autonomic, type 2A (HSAN2A). Also called: WNK1-Related HSAN2 (HSAN2A); MORVAN DISEASE; NEUROPATHY, CONGENITAL SENSORY; NEUROPATHY, HEREDITARY SENSORY RADICULAR, AUTOSOMAL RECESSIVE; NEUROPATHY, HEREDITARY SENSORY, TYPE IIA; NEUROPATHY, PROGRESSIVE SENSORY, OF CHILDREN. Identifiers: Orphanet 970, MedGen C2752089, MONDO:0024309, OMIM 201300.

Submission:

Labcorp Genetics (formerly Invitae), Labcorp
Classification: Uncertain significance for Neuropathy, hereditary sensory and autonomic, type 2A; Generalized epilepsy with febrile seizures plus, type 7. Last evaluated: 2024-09-27. Review status: criteria provided, single submitter. Criteria: Invitae Variant Classification Sherloc (09022015). Collection method: clinical testing. Allele origin: germline.
Comment: This sequence change replaces alanine, which is neutral and non-polar, with glutamic acid, which is acidic and polar, at codon 1016 of the SCN9A protein (p.Ala1016Glu). This variant is not present in population databases (gnomAD no frequency). This variant has not been reported in the literature in individuals affected with SCN9A-related conditions. ClinVar contains an entry for this variant (Variation ID: 1350848). Invitae Evidence Modeling of protein sequence and biophysical properties (such as structural, functional, and spatial information, amino acid conservation, physicochemical variation, residue mobility, and thermodynamic stability) indicates that this missense variant is not expected to disrupt SCN9A protein function with a negative predictive value of 95%. In summary, the available evidence is currently insufficient to determine the role of this variant in disease. Therefore, it has been classified as a Variant of Uncertain Significance.

NM_001365536.1(SCN9A):c.3080C>A (p.Ala1027Glu)

Genes: SCN1A-AS1 (SCN1A and SCN9A antisense RNA 1; plus strand), SCN9A (sodium voltage-gated channel alpha subunit 9; minus strand). Cytogenetic location: 2q24.3.
Variant type: single nucleotide variant.
Coding change: c.3080C>A on transcript NM_001365536.1 (MANE Select); coding-DNA position 3080, C replaced by A.
Protein change: p.Ala1027Glu; replaces alanine 1027 with glutamic acid.
Molecular consequence: missense variant.
Genome position (GRCh38, 1-based): chr2:166,272,670, G>T on the plus strand (C>A on the coding strand, the complement: SCN9A is on the minus strand). VCF-style: chr2-166272670-G-T. GRCh37 (hg19) VCF-style: chr2-167129180-G-T.
Other names: c.3047C>A, p.Ala1016Glu (NM_002977.4); short protein forms A1016E, A1027E.
Identifiers: ClinVar variation 1350848 (VCV001350848.8), dbSNP rs1574844017, ClinGen allele CA349073999.